The following is an entry in ClinVar:

ClinVar aggregate classification (germline): Conflicting classifications of pathogenicity. Review status: criteria provided, conflicting classifications (1 of 4 stars). 3 submissions from 3 submitters: Likely pathogenic (2); Uncertain significance (1). Last evaluated 2022-11-29.

Conditions:
PMP22-related disorder. Also called: PMP22-related disorders; PMP22-related condition.
Charcot-Marie-Tooth disease. Also called: Charcot-Marie-Tooth Hereditary Neuropathy; Charcot-Marie-Tooth Neuropathy. Identifiers: Orphanet 166, MedGen C0007959, MONDO:0015626.
Charcot-Marie-Tooth disease, type I (CMT1). Also called: Charcot-Marie-Tooth, Type 1; Charcot-Marie-Tooth disease type 1. Identifiers: Orphanet 65753, MedGen C0751036, MONDO:0019011.

Submissions (3):

Labcorp Genetics (formerly Invitae), Labcorp
Classification: Likely pathogenic for Charcot-Marie-Tooth disease, type I. Last evaluated: 2022-11-29. Review status: criteria provided, single submitter. Criteria: Invitae Variant Classification Sherloc (09022015). Collection method: clinical testing. Allele origin: germline.
Comment: In summary, the currently available evidence indicates that the variant is pathogenic, but additional data are needed to prove that conclusively. Therefore, this variant has been classified as Likely Pathogenic. This variant disrupts the p.Gly100 amino acid residue in PMP22. Other variant(s) that disrupt this residue have been determined to be pathogenic (PMID: 9187667, 9585367). This suggests that this residue is clinically significant, and that variants that disrupt this residue are likely to be disease-causing. Advanced modeling of protein sequence and biophysical properties (such as structural, functional, and spatial information, amino acid conservation, physicochemical variation, residue mobility, and thermodynamic stability) performed at Invitae indicates that this missense variant is expected to disrupt PMP22 protein function. ClinVar contains an entry for this variant (Variation ID: 641676). This variant has not been reported in the literature in individuals affected with PMP22-related conditions. This variant is not present in population databases (gnomAD no frequency). This sequence change replaces glycine, which is neutral and non-polar, with valine, which is neutral and non-polar, at codon 100 of the PMP22 protein (p.Gly100Val).

Blueprint Genetics
Classification: Likely pathogenic for PMP22-related disorders. Last evaluated: 2018-09-11. Review status: criteria provided, single submitter. Criteria: ACMG Guidelines, 2015. Collection method: clinical testing. Allele origin: germline. Affected: yes. Observed: 1 variant allele.

Molecular Genetics Laboratory, London Health Sciences Centre
Classification: Uncertain significance for Charcot-Marie-Tooth disease. Review status: criteria provided, single submitter. Criteria: ACMG Guidelines, 2015. Collection method: clinical testing. Allele origin: germline. Affected: yes.

Literature cited by the submitters: PubMed 9187667 (cited by Labcorp Genetics (formerly Invitae), Labcorp); PubMed 9585367 (cited by Labcorp Genetics (formerly Invitae), Labcorp).

NM_000304.4(PMP22):c.299G>T (p.Gly100Val)

Gene: PMP22 (peripheral myelin protein 22; minus strand). Cytogenetic location: 17p12.
Variant type: single nucleotide variant.
Coding change: c.299G>T on transcript NM_000304.4 (MANE Select); coding-DNA position 299, G replaced by T.
Protein change: p.Gly100Val; replaces glycine 100 with valine.
Molecular consequence: missense variant. On other transcripts: non-coding transcript variant (2).
Genome position (GRCh38, 1-based): chr17:15,239,491, C>A on the plus strand (G>T on the coding strand, the complement: PMP22 is on the minus strand). VCF-style: chr17-15239491-C-A. GRCh37 (hg19) VCF-style: chr17-15142808-C-A.
Other names: c.299G>T, p.Gly100Val (NM_001281455.2, NM_001281456.2, NM_001330143.2 and 2 more transcripts); short protein forms G100V.
Identifiers: ClinVar variation 641676 (VCV000641676.7), dbSNP rs1597607638, ClinGen allele CA398267434.